The following is an entry in ClinVar:

ClinVar aggregate classification (germline): Pathogenic (1 of 4 stars; one submission).

Submission:

GeneDx
Classification: Pathogenic. Last evaluated: 2024-05-31. Review status: criteria provided, single submitter. Criteria: GeneDx Variant Classification Process June 2021. Collection method: clinical testing. Allele origin: germline.
Comment: Not observed at significant frequency in large population cohorts (gnomAD); Nonsense variant predicted to result in protein truncation or nonsense mediated decay in a gene for which loss of function is a known mechanism of disease; This variant is associated with the following publications: (PMID: 25525159, 12509714)

NM_006579.3(EBP):c.404G>A (p.Trp135Ter)

Gene: EBP (EBP cholestenol delta-isomerase; plus strand). Cytogenetic location: Xp11.23.
Variant type: single nucleotide variant.
Coding change: c.404G>A on transcript NM_006579.3 (MANE Select); coding-DNA position 404, G replaced by A.
Protein change: p.Trp135Ter; replaces tryptophan 135 with a stop codon.
Molecular consequence: nonsense.
Genome position (GRCh38, 1-based): chrX:48,527,220, G>A. VCF-style: chrX-48527220-G-A. GRCh37 (hg19) VCF-style: chrX-48385608-G-A.
Other names: short protein forms W135*.
Identifiers: ClinVar variation 1712643 (VCV001712643.3), dbSNP rs2519111380, ClinGen allele CA412852529.